The following is an entry in ClinVar:

Conditions:
Long QT syndrome 5 (LQT5). Identifiers: Orphanet 101016, Orphanet 768, MedGen C1867904, MONDO:0013372, OMIM 613695.

Submission:

Roden Lab, Vanderbilt University Medical Center
No classification provided (evidence only). Condition: Long QT syndrome 5. Review status: no classification provided. Collection method: in vitro. Allele origin: not applicable. Functional consequence: Effect on ion channel function.
ClinVar note: "not provided" was previously submitted as the classification for the variant. However, the classification appeared to be based only on an observation of functional data so it was converted to no classification on 2025-07-30.

NM_000219.6(KCNE1):c.156A>T (p.Gly52=)

Gene: KCNE1 (potassium voltage-gated channel subfamily E regulatory subunit 1; minus strand). Cytogenetic location: 21q22.12.
Variant type: single nucleotide variant.
Coding change: c.156A>T on transcript NM_000219.6 (MANE Select); coding-DNA position 156, A replaced by T.
Protein change: p.Gly52=; no amino-acid change (glycine 52 retained).
Molecular consequence: synonymous variant.
Genome position (GRCh38, 1-based): chr21:34,449,479, T>A on the plus strand (A>T on the coding strand, the complement: KCNE1 is on the minus strand). VCF-style: chr21-34449479-T-A. GRCh37 (hg19) VCF-style: chr21-35821777-T-A.
Other names: c.156A>T, p.Gly52= (NM_001127668.4, NM_001127669.4, NM_001127670.4 and 4 more transcripts).
Identifiers: ClinVar variation 3374195 (VCV003374195.2).